The following is an entry in ClinVar:

ClinVar aggregate classification (germline): Uncertain significance. Review status: criteria provided, multiple submitters, no conflicts (2 of 4 stars). 5 submissions from 5 submitters: Uncertain significance (5). Last evaluated 2025-10-07.

Conditions:
Intellectual developmental disorder, autosomal dominant 1. Also called: MBD5 Haploinsufficiency; Intellectual disability, autosomal dominant 1. Identifiers: Orphanet 228402, MedGen C1969562, MONDO:0007974, OMIM 156200.

Allele frequency attached by ClinVar (database versions not stated): gnomAD exomes 0.00001 and 0.00004; ExAC 0.00002; gnomAD 0.00007; TOPMed 0.00008; 1000 Genomes Project 0.00020; 1000 Genomes Project 30x 0.00031.
gnomAD v4.1: 34 of 1,613,952 alleles (0.0021%); highest among the groups gnomAD compares: Admixed American, 0.02%; no homozygotes.

Submissions (5):

Labcorp Genetics (formerly Invitae), Labcorp
Classification: Uncertain significance for Intellectual developmental disorder, autosomal dominant 1. Last evaluated: 2025-10-07. Review status: criteria provided, single submitter. Criteria: Invitae Variant Classification Sherloc (09022015). Collection method: clinical testing. Allele origin: germline.
Comment: This sequence change replaces glycine, which is neutral and non-polar, with glutamic acid, which is acidic and polar, at codon 947 of the MBD5 protein (p.Gly947Glu). This variant is present in population databases (rs114359726, gnomAD 0.01%). This variant has not been reported in the literature in individuals affected with MBD5-related conditions. ClinVar contains an entry for this variant (Variation ID: 193727). Invitae Evidence Modeling of protein sequence and biophysical properties (such as structural, functional, and spatial information, amino acid conservation, physicochemical variation, residue mobility, and thermodynamic stability) indicates that this missense variant is not expected to disrupt MBD5 protein function with a negative predictive value of 80%. In summary, the available evidence is currently insufficient to determine the role of this variant in disease. Therefore, it has been classified as a Variant of Uncertain Significance.

Women's Health and Genetics/Laboratory Corporation of America, LabCorp
Classification: Uncertain significance. Last evaluated: 2024-09-16. Review status: criteria provided, single submitter. Criteria: LabCorp Variant Classification Summary - May 2015. Collection method: clinical testing. Allele origin: germline.
Comment: Variant summary: MBD5 c.2840G>A (p.Gly947Glu) results in a non-conservative amino acid change in the encoded protein sequence. Four of five in-silico tools predict a damaging effect of the variant on protein function. The variant allele was found at a frequency of 3.6e-05 in 249184 control chromosomes. The available data on variant occurrences in the general population are insufficient to allow any conclusion about variant significance. To our knowledge, no occurrence of c.2840G>A in individuals affected with MBD5 Associated Neurodevelopmental Disorder and no experimental evidence demonstrating its impact on protein function have been reported. ClinVar contains an entry for this variant (Variation ID: 193727). Based on the evidence outlined above, the variant was classified as uncertain significance.

Fulgent Genetics
Classification: Uncertain significance for Intellectual developmental disorder, autosomal dominant 1. Last evaluated: 2017-05-23. Review status: criteria provided, single submitter. Criteria: ACMG Guidelines, 2015. Collection method: clinical testing. Allele origin: unknown.

GeneDx
Classification: Uncertain significance. Last evaluated: 2014-10-16. Review status: criteria provided, single submitter. Criteria: GeneDx Variant Classification (06012015). Collection method: clinical testing. Allele origin: germline. Affected: yes.
Comment: p.G947E(GGA>GAA):c.2840G>A in exon 10 of the MBD5 gene (NM_018328.4) The G947E variant has not been published as a mutation, nor has it been reported as a benign polymorphism to our knowledge. It was not observed in approximately 6,500 individuals of European and African American ancestry in the NHLBI Exome Sequencing Project, indicating it is not a common benign variant in these populations. It was identified on 1/167 (.59%) control alleles in individuals of European ancestry in the 1000 Genomes database. The G947E variant is a non-conservative amino acid substitution, which is likely to impact secondary protein structure as these residues differ in polarity, charge, size and/or other properties. In addition, this substitution occurs at a position that is highly conserved across species and in silico analysis predicts this variant is probably damaging to the protein structure/function. However, only deletions and frameshift mutations in MBD5 have been published in association with epilepsy. Therefore, based on the currently available information, it is unclear whether this variant is a pathogenic mutation or a rare benign variant. The variant is found in CHILD-EPI,EPILEPSY panel(s).

Eurofins Ntd Llc (ga)
Classification: Uncertain significance. Last evaluated: 2014-07-15. Review status: criteria provided, single submitter. Criteria: EGL Classification Definitions 2015. Collection method: clinical testing. Allele origin: germline. Observed: 1 variant allele, 1 heterozygote.

NM_001378120.1(MBD5):c.2840G>A (p.Gly947Glu)

Gene: MBD5 (methyl-CpG binding domain protein 5; plus strand). Cytogenetic location: 2q23.1.
Variant type: single nucleotide variant.
Coding change: c.2840G>A on transcript NM_001378120.1 (MANE Select); coding-DNA position 2840, G replaced by A.
Protein change: p.Gly947Glu; replaces glycine 947 with glutamic acid.
Molecular consequence: missense variant.
Genome position (GRCh38, 1-based): chr2:148,483,431, G>A. VCF-style: chr2-148483431-G-A. GRCh37 (hg19) VCF-style: chr2-149241000-G-A.
Other names: p.G947E:GGA>GAA; c.2840G>A, p.Gly947Glu (NM_018328.5); short protein forms G947E.
Identifiers: ClinVar variation 193727 (VCV000193727.12), dbSNP rs114359726, ClinGen allele CA239342.